The following is an entry in ClinVar:

NM_017986.4(SLC52A1):c.1000G>A (p.Val334Met)

Gene: SLC52A1 (solute carrier family 52 member 1; minus strand). Cytogenetic location: 17p13.2.
Variant type: single nucleotide variant.
Coding change: c.1000G>A on transcript NM_017986.4 (MANE Select); coding-DNA position 1000, G replaced by A.
Protein change: p.Val334Met; replaces valine 334 with methionine.
Molecular consequence: missense variant.
Genome position (GRCh38, 1-based): chr17:5,033,489, C>T on the plus strand (G>A on the coding strand, the complement: SLC52A1 is on the minus strand). VCF-style: chr17-5033489-C-T. GRCh37 (hg19) VCF-style: chr17-4936784-C-T.
Other names: c.1000G>A, p.Val334Met (NM_001104577.2); short protein forms V334M.
Identifiers: ClinVar variation 808203 (VCV000808203.48), dbSNP rs150164483, ClinGen allele CA8319666.

ClinVar aggregate classification (germline): Uncertain significance. Review status: criteria provided, multiple submitters, no conflicts (2 of 4 stars). 2 submissions from 2 submitters: Uncertain significance (2). Last evaluated 2025-10-21.

Conditions:
Vitamin B2 deficiency. Identifiers: MedGen C0035528.

Allele frequency attached by ClinVar (database versions not stated): 1000 Genomes Project 0.00020; ESP Exome Variant Server 0.00023; 1000 Genomes Project 30x 0.00031; gnomAD exomes 0.00003 and 0.00005; ExAC 0.00008; TOPMed 0.00013; gnomAD 0.00016.
gnomAD v4.1: 70 of 1,611,464 alleles (0.0043%); highest among the groups gnomAD compares: African/African-American, 0.041%; no homozygotes.

Submissions (2):

Labcorp Genetics (formerly Invitae), Labcorp
Classification: Uncertain significance for Vitamin B2 deficiency. Last evaluated: 2025-10-21. Review status: criteria provided, single submitter. Criteria: Invitae Variant Classification Sherloc (09022015). Collection method: clinical testing. Allele origin: germline.
Comment: This sequence change replaces valine, which is neutral and non-polar, with methionine, which is neutral and non-polar, at codon 334 of the SLC52A1 protein (p.Val334Met). This variant is present in population databases (rs150164483, gnomAD 0.06%), and has an allele count higher than expected for a pathogenic variant. This variant has not been reported in the literature in individuals affected with SLC52A1-related conditions. ClinVar contains an entry for this variant (Variation ID: 808203). Invitae Evidence Modeling of protein sequence and biophysical properties (such as structural, functional, and spatial information, amino acid conservation, physicochemical variation, residue mobility, and thermodynamic stability) indicates that this missense variant is not expected to disrupt SLC52A1 protein function with a negative predictive value of 80%. In summary, the available evidence is currently insufficient to determine the role of this variant in disease. Therefore, it has been classified as a Variant of Uncertain Significance.

CeGaT Center for Human Genetics Tuebingen
Classification: Uncertain significance. Last evaluated: 2019-01-01. Review status: criteria provided, single submitter. Criteria: CeGaT Center For Human Genetics Tuebingen Variant Classification Criteria Version 2. Collection method: clinical testing. Allele origin: germline. Affected: yes. Observed: 2 variant alleles.